The following is an entry in ClinVar:

ClinVar aggregate classification (germline): Uncertain significance. Review status: criteria provided, multiple submitters, no conflicts (2 of 4 stars). 3 submissions from 3 submitters: Uncertain significance (3). Last evaluated 2026-02-03.

Conditions:
Inborn genetic diseases. Identifiers: MedGen C0950123, MeSH D030342.
Beckwith-Wiedemann syndrome (BWS). Also called: Exomphalos macroglossia gigantism syndrome; EMG SYNDROME. Identifiers: Orphanet 116, MedGen C0004903, MONDO:0007534, OMIM 130650.

Submissions (3):

Dasa
Classification: Uncertain significance. Last evaluated: 2026-02-03. Review status: criteria provided, single submitter. Criteria: DASA Assertion Criteria. Collection method: clinical testing. Allele origin: germline.
Comment: NM_001122630.2(CDKN1C):c.503C>T (p.Ala168Val) is a missense variant that results in the substitution of alanine with valine. This variant is rare in population databases. Computational prediction algorithms are consistent with a benign effect. The currently available literature and clinical evidence are not sufficient to establish a definitive association between this variant and the reported condition. Therefore, this variant is classified as a variant of uncertain significance.

Labcorp Genetics (formerly Invitae), Labcorp
Classification: Uncertain significance for Beckwith-Wiedemann syndrome. Last evaluated: 2025-02-27. Review status: criteria provided, single submitter. Criteria: Invitae Variant Classification Sherloc (09022015). Collection method: clinical testing. Allele origin: germline.
Comment: This sequence change replaces alanine, which is neutral and non-polar, with valine, which is neutral and non-polar, at codon 179 of the CDKN1C protein (p.Ala179Val). The frequency data for this variant in the population databases is considered unreliable, as metrics indicate insufficient coverage at this position in the gnomAD database. This variant has not been reported in the literature in individuals affected with CDKN1C-related conditions. ClinVar contains an entry for this variant (Variation ID: 835103). Invitae Evidence Modeling of protein sequence and biophysical properties (such as structural, functional, and spatial information, amino acid conservation, physicochemical variation, residue mobility, and thermodynamic stability) indicates that this missense variant is not expected to disrupt CDKN1C protein function with a negative predictive value of 80%. In summary, the available evidence is currently insufficient to determine the role of this variant in disease. Therefore, it has been classified as a Variant of Uncertain Significance.

Ambry Genetics
Classification: Uncertain significance for Inborn genetic diseases. Last evaluated: 2024-04-08. Review status: criteria provided, single submitter. Criteria: Ambry Variant Classification Scheme 2023. Collection method: clinical testing. Allele origin: germline.

NM_001122630.2(CDKN1C):c.503C>T (p.Ala168Val)

Gene: CDKN1C (cyclin dependent kinase inhibitor 1C; minus strand). Cytogenetic location: 11p15.4.
Variant type: single nucleotide variant.
Coding change: c.503C>T on transcript NM_001122630.2 (MANE Select); coding-DNA position 503, C replaced by T.
Protein change: p.Ala168Val; replaces alanine 168 with valine.
Molecular consequence: missense variant. On other transcripts: intron variant (1).
Genome position (GRCh38, 1-based): chr11:2,884,954, G>A on the plus strand (C>T on the coding strand, the complement: CDKN1C is on the minus strand). VCF-style: chr11-2884954-G-A. GRCh37 (hg19) VCF-style: chr11-2906184-G-A.
Other names: c.536C>T, p.Ala179Val (NM_000076.2, NM_001362474.2); c.503C>T, p.Ala168Val (NM_001122631.2); c.255+248C>T (NM_001362475.2); short protein forms A168V, A179V.
Identifiers: ClinVar variation 835103 (VCV000835103.9), dbSNP rs1848945535, ClinGen allele CA379146508.